The following is an entry in ClinVar:

NM_198428.3(BBS9):c.1227T>C (p.Asp409=)

Gene: BBS9 (Bardet-Biedl syndrome 9; plus strand). Cytogenetic location: 7p14.3.
Variant type: single nucleotide variant.
Coding change: c.1227T>C on transcript NM_198428.3 (MANE Select); coding-DNA position 1227, T replaced by C.
Protein change: p.Asp409=; no amino-acid change (aspartic acid 409 retained).
Molecular consequence: synonymous variant. On other transcripts: non-coding transcript variant (3).
Genome position (GRCh38, 1-based): chr7:33,340,925, T>C. VCF-style: chr7-33340925-T-C. GRCh37 (hg19) VCF-style: chr7-33380537-T-C.
Other names: c.1227T>C, p.Asp409= (NM_001033604.2, NM_001033605.2, NM_001348036.1 and 5 more transcripts); c.861T>C, p.Asp287= (NM_001348037.3, NM_001348044.3, NM_001348045.3 and 1 more transcripts); c.954T>C, p.Asp318= (NM_001348038.3, NM_001348039.3); c.1092T>C, p.Asp364= (NM_001348042.3).
Identifiers: ClinVar variation 3347253 (VCV003347253.1).

ClinVar aggregate classification (germline): Likely benign (0 of 4 stars; one submission).

Conditions:
BBS9-related disorder. Also called: BBS9-related condition.

Submission:

PreventionGenetics, part of Exact Sciences
Classification: Likely benign for BBS9-related condition. Last evaluated: 2024-05-28. Review status: no assertion criteria provided. Collection method: clinical testing. Allele origin: germline.
Comment: This variant is classified as likely benign based on ACMG/AMP sequence variant interpretation guidelines (Richards et al. 2015 PMID: 25741868, with internal and published modifications).